The following is an entry in ClinVar:

NM_015512.5(DNAH1):c.4671G>A (p.Thr1557=)

Gene: DNAH1 (dynein axonemal heavy chain 1; plus strand). Cytogenetic location: 3p21.1.
Variant type: single nucleotide variant.
Coding change: c.4671G>A on transcript NM_015512.5 (MANE Select); coding-DNA position 4671, G replaced by A.
Protein change: p.Thr1557=; no amino-acid change (threonine 1557 retained).
Molecular consequence: synonymous variant.
Genome position (GRCh38, 1-based): chr3:52,360,410, G>A. VCF-style: chr3-52360410-G-A. GRCh37 (hg19) VCF-style: chr3-52394426-G-A.
Identifiers: ClinVar variation 2924742 (VCV002924742.7), dbSNP rs374299473, ClinGen allele CA2433973.

ClinVar aggregate classification (germline): Likely benign. Review status: criteria provided, multiple submitters, no conflicts (2 of 4 stars). 2 submissions from 2 submitters: Likely benign (2). Last evaluated 2026-02-01.

Conditions:
Spermatogenic failure 18. Identifiers: MedGen C4539783, MONDO:0054615, OMIM 617576.
Ciliary dyskinesia, primary, 37 (CILD37). Also called: CILIARY DYSKINESIA, PRIMARY, 37, WITH OR WITHOUT SITUS INVERSUS. Identifiers: MedGen C4539798, MONDO:0033204, OMIM 617577.

Allele frequency attached by ClinVar (database versions not stated): TOPMed 0.00001; 1000 Genomes Project 0.00040; 1000 Genomes Project 30x 0.00047.
gnomAD v4.1: 121 of 1,613,564 alleles (0.0075%); highest among the groups gnomAD compares: South Asian, 0.13%; 1 homozygote.

Submissions (2):

CeGaT Center for Human Genetics Tuebingen
Classification: Likely benign. Last evaluated: 2026-02-01. Review status: criteria provided, single submitter. Criteria: CeGaT Center For Human Genetics Tuebingen Variant Classification Criteria Version 2. Collection method: clinical testing. Allele origin: germline. Affected: yes. Observed: 1 variant allele.
Comment: DNAH1: BP4, BP7

Labcorp Genetics (formerly Invitae), Labcorp
Classification: Likely benign for Ciliary dyskinesia, primary, 37; Spermatogenic failure 18. Last evaluated: 2025-05-27. Review status: criteria provided, single submitter. Criteria: Invitae Variant Classification Sherloc (09022015). Collection method: clinical testing. Allele origin: germline.